The following is an entry in ClinVar:

ClinVar aggregate classification (germline): Uncertain significance. Review status: criteria provided, multiple submitters, no conflicts (2 of 4 stars). 3 submissions from 3 submitters: Uncertain significance (2). 1 of the submissions does not count toward it. Last evaluated 2026-01-12.

Conditions:
Inborn genetic diseases. Identifiers: MedGen C0950123, MeSH D030342.
PEX16-related disorder. Also called: PEX16-related condition.
Peroxisome biogenesis disorder. Identifiers: Orphanet 79189, MedGen C1832200, MONDO:0019234. Disease mechanism: loss of function.

Allele frequency attached by ClinVar (database versions not stated): TOPMed 0.00001.
gnomAD v4.1: 9 of 1,613,426 alleles (0.00056%); highest among the groups gnomAD compares: Admixed American, 0.0033%; no homozygotes.

Submissions (3):

Labcorp Genetics (formerly Invitae), Labcorp
Classification: Uncertain significance for Peroxisome biogenesis disorder. Last evaluated: 2026-01-12. Review status: criteria provided, single submitter. Criteria: Invitae Variant Classification Sherloc (09022015). Collection method: clinical testing. Allele origin: germline.
Comment: This sequence change replaces aspartic acid, which is acidic and polar, with asparagine, which is neutral and polar, at codon 308 of the PEX16 protein (p.Asp308Asn). This variant is present in population databases (no rsID available, gnomAD 0.006%). This variant has not been reported in the literature in individuals affected with PEX16-related conditions. ClinVar contains an entry for this variant (Variation ID: 1038144). Invitae Evidence Modeling of protein sequence and biophysical properties (such as structural, functional, and spatial information, amino acid conservation, physicochemical variation, residue mobility, and thermodynamic stability) indicates that this missense variant is not expected to disrupt PEX16 protein function with a negative predictive value of 80%. In summary, the available evidence is currently insufficient to determine the role of this variant in disease. Therefore, it has been classified as a Variant of Uncertain Significance.

Ambry Genetics
Classification: Uncertain significance for Inborn genetic diseases. Last evaluated: 2024-12-06. Review status: criteria provided, single submitter. Criteria: Ambry Variant Classification Scheme 2023. Collection method: clinical testing. Allele origin: germline.

PreventionGenetics, part of Exact Sciences
Classification: Uncertain significance for PEX16-related condition. Last evaluated: 2024-09-24. Review status: no assertion criteria provided. Collection method: clinical testing. Allele origin: germline. Not counted in ClinVar's aggregate classification.
Comment: The PEX16 c.922G>A variant is predicted to result in the amino acid substitution p.Asp308Asn. To our knowledge, this variant has not been reported in the literature. This variant is reported in 0.0056% of alleles in individuals of Latino descent in gnomAD. At this time, the clinical significance of this variant is uncertain due to the absence of conclusive functional and genetic evidence.

NM_004813.4(PEX16):c.922G>A (p.Asp308Asn)

Gene: PEX16 (peroxisomal biogenesis factor 16; minus strand). Cytogenetic location: 11p11.2.
Variant type: single nucleotide variant.
Coding change: c.922G>A on transcript NM_004813.4 (MANE Select); coding-DNA position 922, G replaced by A.
Protein change: p.Asp308Asn; replaces aspartic acid 308 with asparagine.
Molecular consequence: missense variant.
Genome position (GRCh38, 1-based): chr11:45,910,928, C>T on the plus strand (G>A on the coding strand, the complement: PEX16 is on the minus strand). VCF-style: chr11-45910928-C-T. GRCh37 (hg19) VCF-style: chr11-45932479-C-T.
Other names: c.922G>A (NM_004813.2); c.922G>A, p.Asp308Asn (NM_057174.3); short protein forms D308N.
Identifiers: ClinVar variation 1038144 (VCV001038144.10), dbSNP rs749785179, ClinGen allele CA221584800.